The following is an entry in ClinVar:

NM_001395413.1(POR):c.1060G>A (p.Glu354Lys)

Gene: POR (cytochrome p450 oxidoreductase; plus strand). Cytogenetic location: 7q11.23.
Variant type: single nucleotide variant.
Coding change: c.1060G>A on transcript NM_001395413.1 (MANE Select); coding-DNA position 1060, G replaced by A.
Protein change: p.Glu354Lys; replaces glutamic acid 354 with lysine.
Molecular consequence: missense variant.
Genome position (GRCh38, 1-based): chr7:75,984,779, G>A. VCF-style: chr7-75984779-G-A. GRCh37 (hg19) VCF-style: chr7-75614097-G-A.
Other names: c.1060G>A, p.Glu354Lys (NM_001367562.3, NM_001382657.2, NM_001382658.3 and 2 more transcripts); c.1114G>A, p.Glu372Lys (NM_001382655.3); c.1069G>A (NM_000941.2); short protein forms E354K, E372K.
Identifiers: ClinVar variation 4527956 (VCV004527956.1).

ClinVar aggregate classification (germline): Uncertain significance (1 of 4 stars; one submission).

Submission:

GeneDx
Classification: Uncertain significance. Last evaluated: 2025-05-02. Review status: criteria provided, single submitter. Criteria: GeneDx Variant Classification Process June 2021. Collection method: clinical testing. Allele origin: germline. Affected: yes.
Comment: Not observed at significant frequency in large population cohorts (gnomAD); In silico analysis supports that this missense variant has a deleterious effect on protein structure/function; Has not been previously published as pathogenic or benign to our knowledge